The following is an entry in ClinVar:

ClinVar aggregate classification (germline): Likely benign (0 of 4 stars; one submission).

Conditions:
KCNQ1-related disorder. Also called: KCNQ1-related disorders; KCNQ1-related condition. Identifiers: MedGen CN239322.

Allele frequency attached by ClinVar (database versions not stated): gnomAD 0.00013; 1000 Genomes Project 30x 0.00031; TOPMed 0.00037.
gnomAD v4.1: 27 of 398,688 alleles (0.0068%); highest among the groups gnomAD compares: Admixed American, 0.11%; no homozygotes.

Submission:

PreventionGenetics, part of Exact Sciences
Classification: Likely benign for KCNQ1-related condition. Last evaluated: 2022-09-20. Review status: no assertion criteria provided. Collection method: clinical testing. Allele origin: germline.
Comment: This variant is classified as likely benign based on ACMG/AMP sequence variant interpretation guidelines (Richards et al. 2015 PMID: 25741868, with internal and published modifications).

NM_000218.3(KCNQ1):c.1514+4945C>G

Genes: KCNQ1 (potassium voltage-gated channel subfamily Q member 1; plus strand), KCNQ1OT1 (KCNQ1 opposite strand/antisense transcript 1; minus strand). Cytogenetic location: 11p15.5.
Variant type: single nucleotide variant.
Coding change: c.1514+4945C>G on transcript NM_000218.3 (MANE Select); 4945 bases into the intron after coding-DNA position 1514, C replaced by G.
Molecular consequence: intron variant. On other transcripts: non-coding transcript variant (1).
Genome position (GRCh38, 1-based): chr11:2,667,026, C>G. VCF-style: chr11-2667026-C-G. GRCh37 (hg19) VCF-style: chr11-2688256-C-G.
Other names: c.1244+4945C>G (NM_001406837.1); c.1418+4945C>G (NM_001406836.1); c.974+4945C>G (NM_001406838.1); c.1133+4945C>G (NM_181798.2).
Identifiers: ClinVar variation 3051351 (VCV003051351.2), dbSNP rs1012104925, ClinGen allele CA216175357.